The following is an entry in ClinVar:

ClinVar aggregate classification (germline): Uncertain significance (1 of 4 stars; one submission).

Allele frequency attached by ClinVar (database versions not stated): gnomAD exomes below 0.00001; TOPMed below 0.00001.
gnomAD v4.1: 1 of 1,507,916 alleles (0.000066%); highest among the groups gnomAD compares: Non-Finnish European, 0.000091%; no homozygotes.

Submission:

Labcorp Genetics (formerly Invitae), Labcorp
Classification: Uncertain significance. Last evaluated: 2024-07-12. Review status: criteria provided, single submitter. Criteria: Invitae Variant Classification Sherloc (09022015). Collection method: clinical testing. Allele origin: germline.
Comment: This sequence change affects an acceptor splice site in intron 11 of the GUF1 gene. It is expected to disrupt RNA splicing. Variants that disrupt the donor or acceptor splice site typically lead to a loss of protein function (PMID: 16199547), however the current clinical and genetic evidence is not sufficient to establish whether loss-of-function variants in GUF1 cause disease. The frequency data for this variant in the population databases is considered unreliable, as metrics indicate poor data quality at this position in the gnomAD database. This variant has not been reported in the literature in individuals affected with GUF1-related conditions. ClinVar contains an entry for this variant (Variation ID: 1429526). Algorithms developed to predict the effect of sequence changes on RNA splicing suggest that this variant may disrupt the consensus splice site. In summary, the available evidence is currently insufficient to determine the role of this variant in disease. Therefore, it has been classified as a Variant of Uncertain Significance.

Literature cited by the submitters: PubMed 16199547.

NM_021927.3(GUF1):c.1336-2A>G

Gene: GUF1 (GTP binding elongation factor GUF1; plus strand). Cytogenetic location: 4p12.
Variant type: single nucleotide variant.
Coding change: c.1336-2A>G on transcript NM_021927.3 (MANE Select); the canonical splice acceptor site of the intron before coding-DNA position 1336, A replaced by G.
Molecular consequence: splice acceptor variant.
Genome position (GRCh38, 1-based): chr4:44,690,715, A>G. VCF-style: chr4-44690715-A-G. GRCh37 (hg19) VCF-style: chr4-44692732-A-G.
Other names: c.1336-2A>G (NM_001345868.2); c.364-2A>G (NM_001345867.2, NM_001345869.2).
Identifiers: ClinVar variation 1429526 (VCV001429526.8), dbSNP rs1157566096, ClinGen allele CA356763714.
Genomic context (GRCh38, chr4:44,690,715, plus strand): 5'-ACAAGAAAAATGATAATCATTATATTAAGATTTTAAGTATTGCTGATTTTTCTAATTTTT[A>G]GGAACATAGAGAAAAAGAAATTACAATTATCAATCCTGCACAATTCCCCGATAAATCAAA-3'